The following is an entry in ClinVar:

NM_020461.4(TUBGCP6):c.3118G>A (p.Ala1040Thr)

Gene: TUBGCP6 (tubulin gamma complex component 6; minus strand). Cytogenetic location: 22q13.33.
Variant type: single nucleotide variant.
Coding change: c.3118G>A on transcript NM_020461.4 (MANE Select); coding-DNA position 3118, G replaced by A.
Protein change: p.Ala1040Thr; replaces alanine 1040 with threonine.
Molecular consequence: missense variant.
Genome position (GRCh38, 1-based): chr22:50,221,241, C>T on the plus strand (G>A on the coding strand, the complement: TUBGCP6 is on the minus strand). VCF-style: chr22-50221241-C-T. GRCh37 (hg19) VCF-style: chr22-50659670-C-T.
Other names: short protein forms A1040T.
Identifiers: ClinVar variation 851146 (VCV000851146.11), dbSNP rs764859304, ClinGen allele CA10308049.
Genomic context (GRCh38, chr22:50,221,241, plus strand): 5'-TGGCGTCAGACACGTGCCCGTGGGTGTTCCACCGTGGCCGGGTGGGAGCTATTTCAGAAG[C>T]GTAGTCCCCTGTGGGAAGACCACCCCCTGACACCTGCCCAAAGAGCCGCTCTGTGGGCTG-3'
Protein context (NP_065194.3, residues 1030-1050): SGGGLPTGDY[Ala1040Thr]SEIAPTRPRW

ClinVar aggregate classification (germline): Uncertain significance (1 of 4 stars; one submission).

Allele frequency attached by ClinVar (database versions not stated): gnomAD exomes below 0.00001 and 0.00001; ExAC 0.00001; gnomAD 0.00001.

Submission:

Labcorp Genetics (formerly Invitae), Labcorp
Classification: Uncertain significance. Last evaluated: 2022-06-13. Review status: criteria provided, single submitter. Criteria: Invitae Variant Classification Sherloc (09022015). Collection method: clinical testing. Allele origin: germline.
Comment: In summary, the available evidence is currently insufficient to determine the role of this variant in disease. Therefore, it has been classified as a Variant of Uncertain Significance. Algorithms developed to predict the effect of missense changes on protein structure and function (SIFT, PolyPhen-2, Align-GVGD) all suggest that this variant is likely to be tolerated. ClinVar contains an entry for this variant (Variation ID: 851146). This variant has not been reported in the literature in individuals affected with TUBGCP6-related conditions. This variant is present in population databases (rs764859304, gnomAD 0.003%). This sequence change replaces alanine, which is neutral and non-polar, with threonine, which is neutral and polar, at codon 1040 of the TUBGCP6 protein (p.Ala1040Thr).